The following is an entry in ClinVar:

NM_000038.6(APC):c.156A>C (p.Gln52His)

Gene: APC (APC regulator of Wnt signaling pathway; plus strand). Cytogenetic location: 5q22.2.
Variant type: single nucleotide variant.
Coding change: c.156A>C on transcript NM_000038.6 (MANE Select); coding-DNA position 156, A replaced by C.
Protein change: p.Gln52His; replaces glutamine 52 with histidine.
Molecular consequence: missense variant. On other transcripts: 5 prime UTR variant (4).
Genome position (GRCh38, 1-based): chr5:112,766,346, A>C. VCF-style: chr5-112766346-A-C. GRCh37 (hg19) VCF-style: chr5-112102043-A-C.
Other names: c.156A>C, p.Gln52His (NM_001127510.3, NM_001354895.2, NM_001354896.2 and 2 more transcripts); c.186A>C, p.Gln62His (NM_001127511.3, NM_001354897.2, NM_001354902.2); c.81A>C, p.Gln27His (NM_001354898.2, NM_001354904.2); c.-22A>C (NM_001354900.2, NM_001354901.2, NM_001354905.2); c.-880A>C (NM_001354906.2); short protein forms Q27H, Q52H, Q62H.
Identifiers: ClinVar variation 1058956 (VCV001058956.10), dbSNP rs1756319541, ClinGen allele CA16021686.

ClinVar aggregate classification (germline): Uncertain significance (1 of 4 stars; one submission).

Conditions:
Familial adenomatous polyposis 1 (FAP1). Also called: FAMILIAL ADENOMATOUS POLYPOSIS 1, ATTENUATED; POLYPOSIS, ADENOMATOUS INTESTINAL. Identifiers: MedGen C2713442, MONDO:0021056, OMIM 175100. Disease mechanism: loss of function.

Submission:

Labcorp Genetics (formerly Invitae), Labcorp
Classification: Uncertain significance for Familial adenomatous polyposis 1. Last evaluated: 2020-04-09. Review status: criteria provided, single submitter. Criteria: Invitae Variant Classification Sherloc (09022015). Collection method: clinical testing. Allele origin: germline.
Comment: This variant has not been reported in the literature in individuals with APC-related conditions. In summary, the available evidence is currently insufficient to determine the role of this variant in disease. Therefore, it has been classified as a Variant of Uncertain Significance. Algorithms developed to predict the effect of missense changes on protein structure and function are either unavailable or do not agree on the potential impact of this missense change (SIFT: "Deleterious"; PolyPhen-2: "Probably Damaging"; Align-GVGD: "Class C0"). This variant is not present in population databases (ExAC no frequency). This sequence change replaces glutamine with histidine at codon 52 of the APC protein (p.Gln52His). The glutamine residue is highly conserved and there is a small physicochemical difference between glutamine and histidine.